The following is an entry in ClinVar:

ClinVar aggregate classification (germline): Likely benign (0 of 4 stars; one submission).

Conditions:
GFM2-related disorder. Also called: GFM2-related condition.

Allele frequency attached by ClinVar (database versions not stated): gnomAD exomes below 0.00001.

Submission:

PreventionGenetics, part of Exact Sciences
Classification: Likely benign for GFM2-related condition. Last evaluated: 2023-10-27. Review status: no assertion criteria provided. Collection method: clinical testing. Allele origin: germline.
Comment: This variant is classified as likely benign based on ACMG/AMP sequence variant interpretation guidelines (Richards et al. 2015 PMID: 25741868, with internal and published modifications).

NM_032380.5(GFM2):c.304+9G>A

Gene: GFM2 (GTP dependent ribosome recycling factor mitochondrial 2; minus strand). Cytogenetic location: 5q13.3.
Variant type: single nucleotide variant.
Coding change: c.304+9G>A on transcript NM_032380.5 (MANE Select); 9 bases into the intron after coding-DNA position 304, G replaced by A.
Molecular consequence: intron variant.
Genome position (GRCh38, 1-based): chr5:74,758,840, C>T on the plus strand (G>A on the coding strand, the complement: GFM2 is on the minus strand). VCF-style: chr5-74758840-C-T. GRCh37 (hg19) VCF-style: chr5-74054665-C-T.
Other names: c.304+9G>A (NM_170691.3, NM_170681.3); c.400+9G>A (NM_001281302.2).
Identifiers: ClinVar variation 3059898 (VCV003059898.2), dbSNP rs1744128319, ClinGen allele CA1555800187.